The following is an entry in ClinVar:

ClinVar aggregate classification (germline): Uncertain significance (1 of 4 stars; one submission).

Submission:

Labcorp Genetics (formerly Invitae), Labcorp
Classification: Uncertain significance. Last evaluated: 2023-11-07. Review status: criteria provided, single submitter. Criteria: Invitae Variant Classification Sherloc (09022015). Collection method: clinical testing. Allele origin: germline.
Comment: This sequence change replaces leucine, which is neutral and non-polar, with arginine, which is basic and polar, at codon 1374 of the INSR protein (p.Leu1374Arg). This variant is not present in population databases (gnomAD no frequency). This variant has not been reported in the literature in individuals affected with INSR-related conditions. Advanced modeling of protein sequence and biophysical properties (such as structural, functional, and spatial information, amino acid conservation, physicochemical variation, residue mobility, and thermodynamic stability) performed at Invitae indicates that this missense variant is not expected to disrupt INSR protein function with a negative predictive value of 95%. In summary, the available evidence is currently insufficient to determine the role of this variant in disease. Therefore, it has been classified as a Variant of Uncertain Significance.

NM_000208.4(INSR):c.4121T>G (p.Leu1374Arg)

Gene: INSR (insulin receptor; minus strand). Cytogenetic location: 19p13.2.
Variant type: single nucleotide variant.
Coding change: c.4121T>G on transcript NM_000208.4 (MANE Select); coding-DNA position 4121, T replaced by G.
Protein change: p.Leu1374Arg; replaces leucine 1374 with arginine.
Molecular consequence: missense variant.
Genome position (GRCh38, 1-based): chr19:7,117,084, A>C on the plus strand (T>G on the coding strand, the complement: INSR is on the minus strand). VCF-style: chr19-7117084-A-C. GRCh37 (hg19) VCF-style: chr19-7117095-A-C.
Other names: c.4085T>G, p.Leu1362Arg (NM_001079817.3); short protein forms L1362R, L1374R.
Identifiers: ClinVar variation 2772535 (VCV002772535.3), dbSNP rs2512279188, ClinGen allele CA403668246.